The following is an entry in ClinVar:

NM_001365276.2(TNXB):c.11184G>A (p.Leu3728=)

Genes: TNXB (tenascin XB; minus strand), LOC106780803 (tenascin XB recombination region; plus strand). Cytogenetic location: 6p21.33.
Variant type: single nucleotide variant.
Coding change: c.11184G>A on transcript NM_001365276.2 (MANE Select); coding-DNA position 11184, G replaced by A.
Protein change: p.Leu3728=; no amino-acid change (leucine 3728 retained).
Molecular consequence: synonymous variant.
Genome position (GRCh38, 1-based): chr6:32,044,460, C>T on the plus strand (G>A on the coding strand, the complement: TNXB is on the minus strand). VCF-style: chr6-32044460-C-T. GRCh37 (hg19) VCF-style: chr6-32012237-C-T.
Other names: p.Leu3726=; c.11178G>A, p.Leu3726= (NM_019105.8); c.471G>A, p.Leu157= (NM_032470.4).
Identifiers: ClinVar variation 261103 (VCV000261103.3), dbSNP rs886038648, ClinGen allele CA10586939.
Genomic context (GRCh38, chr6:32,044,460, plus strand): 5'-GGTTCCCTGGATGCTGTCGGCCTTGTGGGGTCCTCGCAGCCCATACAGTGTCAGGCTGTA[C>T]AGAGTCCCGGAACGCAGGTCCCGGAGCACGGCCGAGTGCCGCGTCCCCGGCACCATCAGC-3'
Protein context (NP_001352205.1, residues 3718-3738): AVLRDLRSGT[Leu3728=]YSLTLYGLRG

ClinVar aggregate classification (germline): Likely benign. Review status: criteria provided, multiple submitters, no conflicts (2 of 4 stars). 2 submissions from 2 submitters: Likely benign (2). Last evaluated 2025-05-26.

Allele frequency attached by ClinVar (database versions not stated): gnomAD exomes 0.00024; gnomAD 0.00009.

Submissions (2):

Mayo Clinic Laboratories, Mayo Clinic
Classification: Likely benign. Last evaluated: 2025-05-26. Review status: criteria provided, single submitter. Criteria: ACMG Guidelines, 2015. Collection method: clinical testing. Allele origin: germline. Observed: 1 variant allele.
Comment: BP4, BP7

PreventionGenetics, part of Exact Sciences
Classification: Likely benign. Review status: criteria provided, single submitter. Criteria: ACMG Guidelines, 2015. Collection method: clinical testing. Allele origin: germline.